The following is an entry in ClinVar:

ClinVar aggregate classification (germline): Uncertain significance. Review status: criteria provided, single submitter (1 of 4 stars). 2 submissions from 2 submitters: Uncertain significance (1). 1 of the submissions does not count toward it. Last evaluated 2023-12-22.

Conditions:
Spinocerebellar ataxia type 41. Identifiers: Orphanet 458798, MedGen C4225158, MONDO:0014626, OMIM 616410.

Allele frequency attached by ClinVar (database versions not stated): gnomAD 0.00001; gnomAD exomes 0.00001; ExAC 0.00002; TOPMed 0.00002; ESP Exome Variant Server 0.00008.
gnomAD v4.1: 18 of 1,612,514 alleles (0.0011%); highest among the groups gnomAD compares: East Asian, 0.0045%; no homozygotes.

Submissions (2):

Labcorp Genetics (formerly Invitae), Labcorp
Classification: Uncertain significance. Last evaluated: 2023-12-22. Review status: criteria provided, single submitter. Criteria: Invitae Variant Classification Sherloc (09022015). Collection method: clinical testing. Allele origin: germline.
Comment: This sequence change replaces arginine, which is basic and polar, with histidine, which is basic and polar, at codon 762 of the TRPC3 protein (p.Arg762His). This variant is present in population databases (rs142339351, gnomAD 0.003%). This missense change has been observed in individual(s) with clinical features of TRPC3-related conditions (PMID: 25477146). ClinVar contains an entry for this variant (Variation ID: 192274). Advanced modeling of protein sequence and biophysical properties (such as structural, functional, and spatial information, amino acid conservation, physicochemical variation, residue mobility, and thermodynamic stability) performed at Invitae indicates that this missense variant is expected to disrupt TRPC3 protein function with a positive predictive value of 80%. Experimental studies have shown that this missense change affects TRPC3 function (PMID: 25477146). Algorithms developed to predict the effect of sequence changes on RNA splicing suggest that this variant may disrupt the consensus splice site. In summary, the available evidence is currently insufficient to determine the role of this variant in disease. Therefore, it has been classified as a Variant of Uncertain Significance.

OMIM
Classification: Pathogenic for SPINOCEREBELLAR ATAXIA 41 (1 patient). Last evaluated: 2015-02-01. Review status: no assertion criteria provided. Collection method: literature only. Allele origin: germline. Not counted in ClinVar's aggregate classification.

Literature cited by the submitters: PubMed 25477146 (cited by Labcorp Genetics (formerly Invitae), Labcorp and OMIM).

NM_001130698.2(TRPC3):c.2285G>A (p.Arg762His)

Gene: TRPC3 (transient receptor potential cation channel subfamily C member 3; minus strand). Cytogenetic location: 4q27.
Variant type: single nucleotide variant.
Coding change: c.2285G>A on transcript NM_001130698.2 (MANE Select); coding-DNA position 2285, G replaced by A.
Protein change: p.Arg762His; replaces arginine 762 with histidine.
Molecular consequence: missense variant.
Genome position (GRCh38, 1-based): chr4:121,903,030, C>T on the plus strand (G>A on the coding strand, the complement: TRPC3 is on the minus strand). VCF-style: chr4-121903030-C-T. GRCh37 (hg19) VCF-style: chr4-122824185-C-T.
Other names: c.2285G>A, p.Arg762His (NM_001366479.2); c.2066G>A, p.Arg689His (NM_003305.2); short protein forms R762H, R689H.
Identifiers: ClinVar variation 192274 (VCV000192274.5), dbSNP rs142339351, ClinGen allele CA200152.